The following is an entry in ClinVar:

ClinVar aggregate classification (germline): Benign/Likely benign (0 of 4 stars; one submission).

Submission:

ISCA Site 6
Classification: Benign/Likely benign. Review status: no assertion criteria provided. Collection method: clinical testing. Allele origin: unknown. Affected: yes. Observed: 4 variant alleles. Clinical features observed: Developmental delay AND/OR other significant developmental or morphological phenotypes.
Comment: Likely benign (1), Benign (3)

Copy number variation identified through the course of routine clinical cytogenomic testing in postnatal populations, with clinical assertions as classified by the original submitter. For data from the original published study, Kaminsky, et al. 2011 (PubMed 21844811), please see nstd101.

GRCh37/hg19 9p24.3(chr9:118241-166977)x1

Genes: FOXD4 (forkhead box D4; minus strand), ZNG1A (Zn regulated GTPase metalloprotein activator 1A; minus strand). Cytogenetic location: 9p24.3.
Variant type: copy number loss.
Change: copy number 1 (one copy instead of two) of chr9:118,241-166,977 (48.7 kb, GRCh37 coordinates, 1-based), cytogenetic band 9p24.3.
Identifiers: ClinVar variation 394555 (VCV000394555.3).